The following is an entry in ClinVar:

NM_005359.6(SMAD4):c.119T>C (p.Ile40Thr)

Gene: SMAD4 (SMAD family member 4; plus strand). Cytogenetic location: 18q21.2.
Variant type: single nucleotide variant.
Coding change: c.119T>C on transcript NM_005359.6 (MANE Select); coding-DNA position 119, T replaced by C.
Protein change: p.Ile40Thr; replaces isoleucine 40 with threonine.
Molecular consequence: missense variant.
Genome position (GRCh38, 1-based): chr18:51,047,165, T>C. VCF-style: chr18-51047165-T-C. GRCh37 (hg19) VCF-style: chr18-48573535-T-C.
Other names: short protein forms I40T.
Identifiers: ClinVar variation 659796 (VCV000659796.14), dbSNP rs939612648, ClinGen allele CA300081028.
Genomic context (GRCh38, chr18:51,047,165, plus strand): 5'-TGCATAGTTTGATGTGCCATAGACAAGGTGGAGAGAGTGAAACATTTGCAAAAAGAGCAA[T>C]TGAAAGTTTGGTAAAGAAGCTGAAGGAGAAAAAAGATGAATTGGATTCTTTAATAACAGC-3'
Protein context (NP_005350.1, residues 30-50): GESETFAKRA[Ile40Thr]ESLVKKLKEK

ClinVar aggregate classification (germline): Conflicting classifications of pathogenicity. Review status: criteria provided, conflicting classifications (1 of 4 stars). 5 submissions from 5 submitters: Uncertain significance (4); Likely benign (1). Last evaluated 2025-11-20.

Conditions:
Familial thoracic aortic aneurysm and aortic dissection (TAAD). Also called: Thoracic aortic aneurysms and dissections. Identifiers: Orphanet 91387, MedGen C4707243, MONDO:0019625.
Hereditary cancer-predisposing syndrome. Also called: Neoplastic Syndromes, Hereditary; Hereditary neoplastic syndrome; Hereditary Cancer Syndrome; Tumor predisposition. Identifiers: Orphanet 140162, MedGen C0027672, MeSH D009386, MONDO:0015356.
Juvenile polyposis syndrome (JPS). Identifiers: Orphanet 2929, MedGen C0345893, MONDO:0017380, OMIM 174900.

Allele frequency attached by ClinVar (database versions not stated): gnomAD 0.00001.
gnomAD v4.1: 1 of 1,613,934 alleles (0.000062%); highest among the groups gnomAD compares: African/African-American, 0.0013%; no homozygotes.

Submissions (5):

Labcorp Genetics (formerly Invitae), Labcorp
Classification: Likely benign for Juvenile polyposis syndrome. Last evaluated: 2025-11-20. Review status: criteria provided, single submitter. Criteria: Invitae Variant Classification Sherloc (09022015). Collection method: clinical testing. Allele origin: germline.

Color Diagnostics, LLC DBA Color Health
Classification: Uncertain significance for Hereditary cancer-predisposing syndrome. Last evaluated: 2025-06-23. Review status: criteria provided, single submitter. Criteria: ACMG Guidelines, 2015. Collection method: clinical testing. Allele origin: germline.
Comment: This missense variant replaces isoleucine with threonine at codon 40 of the SMAD4 protein. Computational prediction suggests that this variant may have deleterious impact on protein structure and function. To our knowledge, functional studies have not been reported for this variant. This variant has not been reported in individuals affected with SMAD4-related disorders in the literature. This variant has not been identified in the general population by the Genome Aggregation Database (gnomAD). The available evidence is insufficient to determine the role of this variant in disease conclusively. Therefore, this variant is classified as a Variant of Uncertain Significance.

Women's Health and Genetics/Laboratory Corporation of America, LabCorp
Classification: Uncertain significance. Last evaluated: 2025-01-04. Review status: criteria provided, single submitter. Criteria: LabCorp Variant Classification Summary - May 2015. Collection method: clinical testing. Allele origin: germline.

Ambry Genetics
Classification: Uncertain significance for Hereditary cancer-predisposing syndrome; Familial thoracic aortic aneurysm and aortic dissection. Last evaluated: 2022-03-24. Review status: criteria provided, single submitter. Criteria: Ambry Variant Classification Scheme 2023. Collection method: clinical testing. Allele origin: germline.
Comment: The p.I40T variant (also known as c.119T>C), located in coding exon 1 of the SMAD4 gene, results from a T to C substitution at nucleotide position 119. The isoleucine at codon 40 is replaced by threonine, an amino acid with similar properties. This amino acid position is highly conserved in available vertebrate species. In addition, this alteration is predicted to be deleterious by in silico analysis. Since supporting evidence is limited at this time, the clinical significance of this alteration remains unclear.

Revvity Omics, Revvity
Classification: Uncertain significance. Last evaluated: 2020-06-29. Review status: criteria provided, single submitter. Criteria: ACMG Guidelines, 2015. Collection method: clinical testing. Allele origin: germline.